The following is an entry in ClinVar:

ClinVar aggregate classification (germline): Benign (1 of 4 stars; one submission).

Conditions:
Microcytic anemia with liver iron overload. Also called: Anemia, hypochromic microcytic, with iron overload 1. Identifiers: Orphanet 83642, MedGen C3806153, MONDO:0008787, OMIM 206100.

Allele frequency attached by ClinVar (database versions not stated): gnomAD exomes 0.00064 and 0.00147; ExAC 0.00084; 1000 Genomes Project 0.00599; 1000 Genomes Project 30x 0.00609; gnomAD 0.00709 and 0.00752; TOPMed 0.00793.
gnomAD v4.1: 1,853 of 1,287,154 alleles (0.14%); highest among the groups gnomAD compares: African/African-American, 2.4%; 24 homozygotes.

Submission:

Illumina Laboratory Services, Illumina
Classification: Benign for Microcytic anemia with liver iron overload. Last evaluated: 2018-01-13. Review status: criteria provided, single submitter. Criteria: ICSL Variant Classification Criteria 13 December 2019. Collection method: clinical testing. Allele origin: germline.
Comment: This variant was observed in the ICSL laboratory as part of a predisposition screen in an ostensibly healthy population. It had not been previously curated by ICSL or reported in the Human Gene Mutation Database (HGMD: prior to June 1st, 2018), and was therefore a candidate for classification through an automated scoring system. Utilizing variant allele frequency, disease prevalence and penetrance estimates, and inheritance mode, an automated score was calculated to assess if this variant is too frequent to cause the disease. Based on the score and internal cut-off values, a variant classified as benign is not then subjected to further curation. The score for this variant resulted in a classification of benign for this disease.

NM_000617.3(SLC11A2):c.*872A>C

Gene: SLC11A2 (solute carrier family 11 member 2; minus strand). Cytogenetic location: 12q13.12.
Variant type: single nucleotide variant.
Coding change: c.*872A>C on transcript NM_000617.3 (MANE Select); 872 bases downstream of the stop codon, A replaced by C.
Molecular consequence: 3 prime UTR variant. On other transcripts: non-coding transcript variant (4), intron variant (8).
Genome position (GRCh38, 1-based): chr12:50,987,453, T>G on the plus strand (A>C on the coding strand, the complement: SLC11A2 is on the minus strand). VCF-style: chr12-50987453-T-G. GRCh37 (hg19) VCF-style: chr12-51381236-T-G.
Other names: c.*872A>C (NM_001174125.2, NM_001174128.2, NM_001174129.2 and 6 more transcripts); c.1716+929A>C (NM_001379446.1); c.1518+929A>C (NM_001414747.1); c.1629+929A>C (NM_001174127.2, NM_001174126.2, NM_001379447.2); c.*25+847A>C (NM_001414744.1, NM_001414746.1); c.1617+929A>C (NM_001379448.1).
Identifiers: ClinVar variation 309295 (VCV000309295.5), dbSNP rs73297974, ClinGen allele CA6566381.